The following is an entry in ClinVar:

ClinVar aggregate classification (germline): Uncertain significance. Review status: criteria provided, multiple submitters, no conflicts (2 of 4 stars). 3 submissions from 3 submitters: Uncertain significance (3). Last evaluated 2023-05-21.

Conditions:
Familial thoracic aortic aneurysm and aortic dissection (TAAD). Also called: Thoracic aortic aneurysms and dissections. Identifiers: Orphanet 91387, MedGen C4707243, MONDO:0019625.
Aortic aneurysm, familial thoracic 7 (AAT7). Also called: AORTIC DISSECTION, FAMILIAL, WITH OR WITHOUT AORTIC ANEURYSM. Identifiers: MedGen C3151077, MONDO:0013418, OMIM 613780.

Allele frequency attached by ClinVar (database versions not stated): gnomAD exomes below 0.00001.
gnomAD v4.1: 1 of 1,562,004 alleles (0.000064%); highest among the groups gnomAD compares: African/African-American, 0.0014%; no homozygotes.

Submissions (3):

Ambry Genetics
Classification: Uncertain significance for Familial thoracic aortic aneurysm and aortic dissection. Last evaluated: 2023-05-21. Review status: criteria provided, single submitter. Criteria: Ambry Variant Classification Scheme 2023. Collection method: clinical testing. Allele origin: germline.
Comment: The p.E576K variant (also known as c.1726G>A), located in coding exon 10 of the MYLK gene, results from a G to A substitution at nucleotide position 1726. The glutamic acid at codon 576 is replaced by lysine, an amino acid with similar properties. This amino acid position is conserved. In addition, this alteration is predicted to be tolerated by in silico analysis. Since supporting evidence is limited at this time, the clinical significance of this alteration remains unclear.

Labcorp Genetics (formerly Invitae), Labcorp
Classification: Uncertain significance for Aortic aneurysm, familial thoracic 7. Last evaluated: 2022-12-24. Review status: criteria provided, single submitter. Criteria: Invitae Variant Classification Sherloc (09022015). Collection method: clinical testing. Allele origin: germline.
Comment: In summary, the available evidence is currently insufficient to determine the role of this variant in disease. Therefore, it has been classified as a Variant of Uncertain Significance. Advanced modeling of protein sequence and biophysical properties (such as structural, functional, and spatial information, amino acid conservation, physicochemical variation, residue mobility, and thermodynamic stability) performed at Invitae indicates that this missense variant is not expected to disrupt MYLK protein function. ClinVar contains an entry for this variant (Variation ID: 1329648). This variant has not been reported in the literature in individuals affected with MYLK-related conditions. This variant is not present in population databases (gnomAD no frequency). This sequence change replaces glutamic acid, which is acidic and polar, with lysine, which is basic and polar, at codon 576 of the MYLK protein (p.Glu576Lys).

GeneDx
Classification: Uncertain significance. Last evaluated: 2021-06-21. Review status: criteria provided, single submitter. Criteria: GeneDx Variant Classification Process June 2021. Collection method: clinical testing. Allele origin: germline. Affected: yes.
Comment: Has not been previously published as pathogenic or benign to our knowledge; Not observed at significant frequency in large population cohorts (Lek et al., 2016); In silico analysis supports that this missense variant does not alter protein structure/function; This variant is associated with the following publications: (PMID: 27535533)

NM_053025.4(MYLK):c.1726G>A (p.Glu576Lys)

Gene: MYLK (myosin light chain kinase; minus strand). Cytogenetic location: 3q21.1.
Variant type: single nucleotide variant.
Coding change: c.1726G>A on transcript NM_053025.4 (MANE Select); coding-DNA position 1726, G replaced by A.
Protein change: p.Glu576Lys; replaces glutamic acid 576 with lysine.
Molecular consequence: missense variant.
Genome position (GRCh38, 1-based): chr3:123,722,206, C>T on the plus strand (G>A on the coding strand, the complement: MYLK is on the minus strand). VCF-style: chr3-123722206-C-T. GRCh37 (hg19) VCF-style: chr3-123441053-C-T.
Other names: c.1198G>A, p.Glu400Lys (NM_001321309.2); c.1519G>A, p.Glu507Lys (NM_053026.4, NM_053028.4); c.1726G>A, p.Glu576Lys (NM_053027.4); short protein forms E400K, E507K, E576K.
Identifiers: ClinVar variation 1329648 (VCV001329648.5), dbSNP rs2062115226, ClinGen allele CA354235367.